The following is an entry in ClinVar:

NM_001429.4(EP300):c.4311A>C (p.Ala1437=)

Gene: EP300 (EP300 lysine acetyltransferase; plus strand). Cytogenetic location: 22q13.2.
Variant type: single nucleotide variant.
Coding change: c.4311A>C on transcript NM_001429.4 (MANE Select); coding-DNA position 4311, A replaced by C.
Protein change: p.Ala1437=; no amino-acid change (alanine 1437 retained).
Molecular consequence: synonymous variant.
Genome position (GRCh38, 1-based): chr22:41,170,430, A>C. VCF-style: chr22-41170430-A-C. GRCh37 (hg19) VCF-style: chr22-41566434-A-C.
Other names: c.4233A>C, p.Ala1411= (NM_001362843.2).
Identifiers: ClinVar variation 341805 (VCV000341805.40), dbSNP rs150941761, ClinGen allele CA10253414.
Genomic context (GRCh38, chr22:41,170,430, plus strand): 5'-TCTTTTCCTTAATGTTCTTTCTCTTTGTATTGTTAGTTACACAACAGGGCATATTTGGGC[A>C]TGTCCACCAAGTGAGGGAGATGATTATATCTTCCATTGCCATCCTCCTGACCAGAAGATA-3'
Protein context (NP_001420.2, residues 1427-1447): KLGYTTGHIW[Ala1437=]CPPSEGDDYI

ClinVar aggregate classification (germline): Benign. Review status: criteria provided, multiple submitters, no conflicts (2 of 4 stars). 5 submissions from 5 submitters: Benign (4). 1 of the submissions does not count toward it. Last evaluated 2026-01-13.

Conditions:
EP300-related disorder. Also called: EP300-related condition; EP300-related disorders.
Rubinstein-Taybi syndrome due to EP300 haploinsufficiency. Also called: RUBINSTEIN-TAYBI SYNDROME 2; EP300-Related Rubinstein-Taybi Syndrome. Identifiers: Orphanet 353284, Orphanet 783, MedGen C3150941, MONDO:0013364, OMIM 613684.

Allele frequency attached by ClinVar (database versions not stated): ESP Exome Variant Server 0.00131; gnomAD 0.00150 and 0.00179; TOPMed 0.00233; ExAC 0.00254; gnomAD exomes 0.00264; 1000 Genomes Project 0.00339; 1000 Genomes Project 30x 0.00344.
gnomAD v4.1: 2,797 of 1,613,844 alleles (0.17%); highest among the groups gnomAD compares: East Asian, 2.1%; 17 homozygotes.

Submissions (5):

Labcorp Genetics (formerly Invitae), Labcorp
Classification: Benign for Rubinstein-Taybi syndrome due to EP300 haploinsufficiency. Last evaluated: 2026-01-13. Review status: criteria provided, single submitter. Criteria: Invitae Variant Classification Sherloc (09022015). Collection method: clinical testing. Allele origin: germline.

CeGaT Center for Human Genetics Tuebingen
Classification: Benign. Last evaluated: 2024-07-01. Review status: criteria provided, single submitter. Criteria: CeGaT Center For Human Genetics Tuebingen Variant Classification Criteria Version 2. Collection method: clinical testing. Allele origin: germline. Affected: yes. Observed: 8 variant alleles.
Comment: EP300: BP4, BP7, BS1, BS2

GeneDx
Classification: Benign. Last evaluated: 2019-05-13. Review status: criteria provided, single submitter. Criteria: GeneDx Variant Classification Process June 2021. Collection method: clinical testing. Allele origin: germline. Affected: yes.

Breakthrough Genomics
Classification: Benign. Review status: criteria provided, single submitter. Criteria: ACMG Guidelines, 2015. Collection method: not provided. Allele origin: germline. Inheritance: Autosomal dominant inheritance. Affected: yes.

PreventionGenetics, part of Exact Sciences
Classification: Benign for EP300-related condition. Last evaluated: 2019-05-02. Review status: no assertion criteria provided. Collection method: clinical testing. Allele origin: germline. Not counted in ClinVar's aggregate classification.
Comment: This variant is classified as benign based on ACMG/AMP sequence variant interpretation guidelines (Richards et al. 2015 PMID: 25741868, with internal and published modifications).